The following is an entry in ClinVar:

NM_177438.3(DICER1):c.1410G>C (p.Glu470Asp)

Gene: DICER1 (dicer 1, ribonuclease III; minus strand). Cytogenetic location: 14q32.13.
Variant type: single nucleotide variant.
Coding change: c.1410G>C on transcript NM_177438.3 (MANE Select); coding-DNA position 1410, G replaced by C.
Protein change: p.Glu470Asp; replaces glutamic acid 470 with aspartic acid.
Molecular consequence: missense variant.
Genome position (GRCh38, 1-based): chr14:95,117,721, C>G on the plus strand (G>C on the coding strand, the complement: DICER1 is on the minus strand). VCF-style: chr14-95117721-C-G. GRCh37 (hg19) VCF-style: chr14-95584058-C-G.
Other names: NM_177438.3(DICER1):c.1410G>C; p.Glu470Asp; c.1410G>C, p.Glu470Asp (NM_001195573.1, NM_001271282.3, NM_001291628.2 and 1 more transcripts); short protein forms E470D.
Identifiers: ClinVar variation 477037 (VCV000477037.22), dbSNP rs774271782, ClinGen allele CA7331484.
Genomic context (GRCh38, chr14:95,117,721, plus strand): 5'-GCGAGGCTGATTCTTCCCAATGCCATGTCCAGTTATGAAATTGCTACTGATATAAGCCAG[C>G]TCTGGATCTTGTTTGCCAGCTTCCTTTATCAATCTAAGAAAATTATACACATTTGGAAGT-3'
Protein context (NP_803187.1, residues 460-480): LIKEAGKQDP[Glu470Asp]LAYISSNFIT

ClinVar aggregate classification (germline): Likely benign. Review status: reviewed by expert panel (3 of 4 stars). 7 submissions from 7 submitters: Likely benign (1). 6 of the submissions do not count toward it. Last evaluated 2025-10-28.

Conditions:
DICER1-related disorder. Also called: DICER1-related condition.
Global developmental delay - lung cysts - overgrowth - Wilms tumor syndrome. Also called: GLOBAL DEVELOPMENTAL DELAY, LUNG CYSTS, OVERGROWTH, AND WILMS TUMOR; GLOW Syndrome. Identifiers: Orphanet 404476, MedGen C4748924, MONDO:0018445, OMIM 618272.
DICER1-related tumor predisposition. Also called: DICER1 syndrome; DICER1-related pleuropulmonary blastoma cancer predisposition syndrome. Identifiers: Orphanet 284343, MedGen C3839822, MONDO:0100216.
Hereditary cancer-predisposing syndrome. Also called: Neoplastic Syndromes, Hereditary; Hereditary Cancer Syndrome; Tumor predisposition; Hereditary neoplastic syndrome. Identifiers: Orphanet 140162, MedGen C0027672, MeSH D009386, MONDO:0015356.
Pleuropulmonary blastoma (PPB). Identifiers: Orphanet 64742, MedGen C1266144, MONDO:0011014, OMIM 601200, HP:0100528.

Allele frequency attached by ClinVar (database versions not stated): gnomAD exomes below 0.00001; ExAC 0.00001; gnomAD 0.00003 and 0.00004; TOPMed 0.00005.
gnomAD v4.1: 8 of 1,613,840 alleles (0.0005%); highest among the groups gnomAD compares: African/African-American, 0.0093%; no homozygotes.

Submissions (7):

ClinGen DICER1 and miRNA-Processing Gene Variant Curation Expert Panel, ClinGen
Classification: Likely benign for DICER1-related tumor predisposition. Last evaluated: 2025-10-28. Review status: reviewed by expert panel. Criteria: ClinGen DICER1 ACMG Specifications DICER1 V1.4.0. Collection method: curation. Allele origin: germline. Inheritance: Autosomal dominant inheritance.
Comment: The NM_177438.3:c.1410G>C variant in DICER1 is a missense variant predicted to cause substitution of glutamic acid by aspartic acid at amino acid 470 (p.Glu470Asp). Although this variant has been observed in individuals undergoing genetic sequencing, to our knowledge, this variant has not been reported in individuals with DICER1-related tumor predisposition (PS4 not met; Internal lab contributors). This variant has been seen in 10 or more unrelated females without tumors through age 50 in at least one testing laboratory (BS2_Supporting; Internal lab contributors). The total allele frequency in gnomAD v4.1.0 is 0.000004957 (8/1613840 alleles) with a highest population minor allele frequency of 0.00009345 (7/74906alleles) in the African/African American population and with multiple alleles present in the African/African American population (PM2_Supporting, BS1, and BA1 are not met). In silico tools predict no damaging impact of the variant on protein function (REVEL: 0.311; MaxEntScan and SpliceAI: no effect on splicing) (BP4). In summary, this variant meets the criteria to be classified as Likely Benign for DICER1-related tumor predisposition based on the ACMG/AMP criteria applied, as specified by the ClinGen DICER1 VCEP: BS2_Supporting, BP4. (Bayesian Points: -2; VCEP specifications version 1.4.0; 10/28/2025).

PreventionGenetics, part of Exact Sciences
Classification: Likely benign for DICER1-related condition. Last evaluated: 2026-05-21. Review status: criteria provided, single submitter. Criteria: ACMG Guidelines, 2015. Collection method: clinical testing. Allele origin: germline. Not counted in ClinVar's aggregate classification.
Comment: This variant is classified as likely benign based on ACMG/AMP sequence variant interpretation guidelines (Richards et al. 2015 PMID: 25741868, with internal and published modifications).

Labcorp Genetics (formerly Invitae), Labcorp
Classification: Uncertain significance for DICER1-related tumor predisposition. Last evaluated: 2025-11-10. Review status: criteria provided, single submitter. Criteria: Invitae Variant Classification Sherloc (09022015). Collection method: clinical testing. Allele origin: germline. Not counted in ClinVar's aggregate classification.
Comment: This sequence change replaces glutamic acid, which is acidic and polar, with aspartic acid, which is acidic and polar, at codon 470 of the DICER1 protein (p.Glu470Asp). This variant is present in population databases (rs774271782, gnomAD 0.007%). This variant has not been reported in the literature in individuals affected with DICER1-related conditions. ClinVar contains an entry for this variant (Variation ID: 477037). Invitae Evidence Modeling of protein sequence and biophysical properties (such as structural, functional, and spatial information, amino acid conservation, physicochemical variation, residue mobility, and thermodynamic stability) indicates that this missense variant is not expected to disrupt DICER1 protein function with a negative predictive value of 95%. In summary, the available evidence is currently insufficient to determine the role of this variant in disease. Therefore, it has been classified as a Variant of Uncertain Significance.

Ambry Genetics
Classification: Likely benign for Hereditary cancer-predisposing syndrome. Last evaluated: 2025-06-24. Review status: criteria provided, single submitter. Criteria: Ambry Variant Classification Scheme 2023. Collection method: clinical testing. Allele origin: germline. Not counted in ClinVar's aggregate classification.

GeneDx
Classification: Uncertain significance. Last evaluated: 2023-10-16. Review status: criteria provided, single submitter. Criteria: GeneDx Variant Classification Process June 2021. Collection method: clinical testing. Allele origin: germline. Affected: yes. Not counted in ClinVar's aggregate classification.
Comment: Has not been previously published as pathogenic or benign to our knowledge; Not observed at significant frequency in large population cohorts (gnomAD); In silico analysis supports that this missense variant does not alter protein structure/function

St. Jude Molecular Pathology, St. Jude Children's Research Hospital
Classification: Uncertain significance for Pleuropulmonary blastoma. Last evaluated: 2023-08-30. Review status: criteria provided, single submitter. Criteria: St. Jude Assertion Criteria 2020. Collection method: clinical testing. Allele origin: germline. Not counted in ClinVar's aggregate classification.
Comment: The DICER1 c.1410G>C (p.Glu470Asp) missense change is absent in gnomAD non-cancer v2.1.1. The in silico tool REVEL predicts a benign effect on protein function and no splicing effects are predicted, but to our knowledge these predictions have not been confirmed by functional studies. To our knowledge, this variant has not been reported in individuals with DICER1-associated tumors. In summary, the evidence currently available is insufficient to determine the clinical significance of this variant. It has therefore been classified as of uncertain significance.

Baylor Genetics
Classification: Uncertain significance for Global developmental delay - lung cysts - overgrowth - Wilms tumor syndrome. Last evaluated: 2023-06-30. Review status: criteria provided, single submitter. Criteria: ACMG Guidelines, 2015. Collection method: clinical testing. Allele origin: unknown. Not counted in ClinVar's aggregate classification.